The following is an entry in ClinVar:

ClinVar aggregate classification (germline): Uncertain significance. Review status: criteria provided, multiple submitters, no conflicts (2 of 4 stars). 3 submissions from 3 submitters: Uncertain significance (3). Last evaluated 2025-09-01.

Conditions:
Inborn genetic diseases. Identifiers: MedGen C0950123, MeSH D030342.
Muscular dystrophy-dystroglycanopathy (congenital with brain and eye anomalies), type a, 11 (MDDGA11). Also called: Muscular dystrophy-dystroglycanopathy (congenital with brain and eye anomalies, type A, 11; WALKER-WARBURG SYNDROME OR MUSCLE-EYE-BRAIN DISEASE, B3GALNT2-RELATED; Congenital muscular dystrophy-dystroglycanopathy with brain and eye anomalies, type A11. Identifiers: Orphanet 588, Orphanet 899, MedGen C3554638, MONDO:0014071, OMIM 615181.

Allele frequency attached by ClinVar (database versions not stated): ExAC 0.00002; gnomAD 0.00003; TOPMed 0.00003.
gnomAD v4.1: 9 of 1,613,570 alleles (0.00056%); highest among the groups gnomAD compares: African/African-American, 0.011%; no homozygotes.

Submissions (3):

Ambry Genetics
Classification: Uncertain significance for Inborn genetic diseases. Last evaluated: 2025-09-01. Review status: criteria provided, single submitter. Criteria: Ambry Variant Classification Scheme 2023. Collection method: clinical testing. Allele origin: germline.

Labcorp Genetics (formerly Invitae), Labcorp
Classification: Uncertain significance for Muscular dystrophy-dystroglycanopathy (congenital with brain and eye anomalies), type a, 11. Last evaluated: 2021-12-20. Review status: criteria provided, single submitter. Criteria: Invitae Variant Classification Sherloc (09022015). Collection method: clinical testing. Allele origin: germline.
Comment: This sequence change replaces asparagine, which is neutral and polar, with isoleucine, which is neutral and non-polar, at codon 119 of the B3GALNT2 protein (p.Asn119Ile). This variant is present in population databases (rs758132746, gnomAD 0.02%). This variant has not been reported in the literature in individuals affected with B3GALNT2-related conditions. Algorithms developed to predict the effect of missense changes on protein structure and function (SIFT, PolyPhen-2, Align-GVGD) all suggest that this variant is likely to be tolerated. In summary, the available evidence is currently insufficient to determine the role of this variant in disease. Therefore, it has been classified as a Variant of Uncertain Significance.

Revvity Omics, Revvity
Classification: Uncertain significance for Muscular dystrophy-dystroglycanopathy (congenital with brain and eye anomalies), type a, 11. Last evaluated: 2020-03-10. Review status: criteria provided, single submitter. Criteria: ACMG Guidelines, 2015. Collection method: clinical testing. Allele origin: germline.

NM_152490.5(B3GALNT2):c.356A>T (p.Asn119Ile)

Gene: B3GALNT2 (beta-1,3-N-acetylgalactosaminyltransferase 2; minus strand). Cytogenetic location: 1q42.3.
Variant type: single nucleotide variant.
Coding change: c.356A>T on transcript NM_152490.5 (MANE Select); coding-DNA position 356, A replaced by T.
Protein change: p.Asn119Ile; replaces asparagine 119 with isoleucine.
Molecular consequence: missense variant.
Genome position (GRCh38, 1-based): chr1:235,489,173, T>A on the plus strand (A>T on the coding strand, the complement: B3GALNT2 is on the minus strand). VCF-style: chr1-235489173-T-A. GRCh37 (hg19) VCF-style: chr1-235652478-T-A.
Other names: c.356A>T (NM_152490.3); c.479A>T, p.Asn160Ile (NM_001277155.3); short protein forms N160I, N119I.
Identifiers: ClinVar variation 1984411 (VCV001984411.6), dbSNP rs758132746, ClinGen allele CA1464942.